The following is an entry in ClinVar:

ClinVar aggregate classification (germline): Conflicting classifications of pathogenicity. Review status: criteria provided, conflicting classifications (1 of 4 stars). 3 submissions from 3 submitters: Likely pathogenic (2); Uncertain significance (1). Last evaluated 2024-09-01.

Conditions:
Zellweger spectrum disorders (ZS). Also called: Zellweger Spectrum Disorder; Zellweger Spectrum; Zellweger Spectrum Disorder (ZSD); Zellweger syndrome. Identifiers: Orphanet 912, MedGen C0043459, MONDO:0019609.

Allele frequency attached by ClinVar (database versions not stated): gnomAD exomes below 0.00001.

Submissions (3):

Natera, Inc.
Classification: Likely pathogenic for Zellweger syndrome. Last evaluated: 2024-09-01. Review status: criteria provided, single submitter. Criteria: Natera Variant Classification Schema (03/2026). Collection method: clinical testing. Allele origin: germline.
Comment: The c.3637-3_3637-1delAAG variant in PEX1 is a deletion affecting a canonical splice acceptor site. This variant is expected to result in nonsense mediated decay, truncation, or a dysfunctional protein product. This variant is rare in the general population with a frequency below the threshold expected for the associated phenotype(s). Given the available evidence, this variant is classified as Likely Pathogenic.

Blueprint Genetics
Classification: Uncertain significance. Last evaluated: 2024-04-12. Review status: criteria provided, single submitter. Criteria: ACMG Guidelines, 2015. Collection method: clinical testing. Allele origin: germline.

Labcorp Genetics (formerly Invitae), Labcorp
Classification: Likely pathogenic for Zellweger spectrum disorders. Last evaluated: 2020-10-02. Review status: criteria provided, single submitter. Criteria: Invitae Variant Classification Sherloc (09022015). Collection method: clinical testing. Allele origin: germline.
Comment: In summary, the currently available evidence indicates that the variant is pathogenic, but additional data are needed to prove that conclusively. Therefore, this variant has been classified as Likely Pathogenic. Donor and acceptor splice site variants typically lead to a loss of protein function (PMID: 16199547), and loss-of-function variants in PEX1 are known to be pathogenic (PMID: 9398847, 16086329, 16141001, 21031596, 26387595, 31831025). Nucleotide substitutions within the consensus splice site are a relatively common cause of aberrant splicing (PMID: 17576681, 9536098). Algorithms developed to predict the effect of sequence changes on RNA splicing suggest that this variant may disrupt the consensus splice site, but this prediction has not been confirmed by published transcriptional studies. This variant has not been reported in the literature in individuals with PEX1-related conditions. This variant is not present in population databases (ExAC no frequency). This sequence change affects an acceptor splice site in intron 22 of the PEX1 gene. It is expected to disrupt RNA splicing and likely results in an absent or disrupted protein product.

Literature cited by the submitters: PubMed 16199547 (cited by Labcorp Genetics (formerly Invitae), Labcorp); PubMed 9398847 (cited by Labcorp Genetics (formerly Invitae), Labcorp); PubMed 16086329 (cited by Labcorp Genetics (formerly Invitae), Labcorp); PubMed 16141001 (cited by Labcorp Genetics (formerly Invitae), Labcorp); PubMed 21031596 (cited by Labcorp Genetics (formerly Invitae), Labcorp); PubMed 26387595 (cited by Labcorp Genetics (formerly Invitae), Labcorp); PubMed 31831025 (cited by Labcorp Genetics (formerly Invitae), Labcorp); PubMed 17576681 (cited by Labcorp Genetics (formerly Invitae), Labcorp); PubMed 9536098 (cited by Labcorp Genetics (formerly Invitae), Labcorp).

NM_000466.3(PEX1):c.3637-3_3637-1del

Genes: GATAD1 (GATA zinc finger domain containing 1; plus strand), PEX1 (peroxisomal biogenesis factor 1; minus strand). Cytogenetic location: 7q21.2.
Variant type: Deletion.
Coding change: c.3637-3_3637-1del on transcript NM_000466.3 (MANE Select); 3 bases into the intron before coding-DNA position 3637 through the canonical splice acceptor site of the intron before coding-DNA position 3637, 3 bases deleted (AAG; older notation c.3637-3_3637-1delAAG).
Molecular consequence: splice acceptor variant.
Genome position (GRCh38, 1-based): chr7:92,489,424-92,489,426, CTT deleted on the plus strand (AAG on the coding strand, the reverse complement: PEX1 is on the minus strand). VCF-style (leftmost placement, unchanged base first): chr7-92489423-CCTT-C. GRCh37 (hg19) VCF-style: chr7-92118737-CCTT-C.
Other names: c.3637-3_3637-1delAAG (NM_000466.2); c.3466-3_3466-1del (NM_001282677.2); c.3013-3_3013-1del (NM_001282678.2).
Identifiers: ClinVar variation 1068038 (VCV001068038.13), dbSNP rs2116039871, ClinGen allele CA2499219041.